The following is an entry in ClinVar:

ClinVar aggregate classification (germline): Uncertain significance (1 of 4 stars; one submission).

Allele frequency attached by ClinVar (database versions not stated): gnomAD exomes below 0.00001; gnomAD 0.00001; TOPMed 0.00001.
gnomAD v4.1: 5 of 1,553,080 alleles (0.00032%); highest among the groups gnomAD compares: African/African-American, 0.0055%; no homozygotes.

Submission:

Labcorp Genetics (formerly Invitae), Labcorp
Classification: Uncertain significance. Last evaluated: 2022-10-18. Review status: criteria provided, single submitter. Criteria: Invitae Variant Classification Sherloc (09022015). Collection method: clinical testing. Allele origin: germline.
Comment: This sequence change replaces proline, which is neutral and non-polar, with serine, which is neutral and polar, at codon 356 of the SCP2 protein (p.Pro356Ser). This variant is present in population databases (no rsID available, gnomAD 0.003%). This variant has not been reported in the literature in individuals affected with SCP2-related conditions. Algorithms developed to predict the effect of missense changes on protein structure and function (SIFT, PolyPhen-2, Align-GVGD) all suggest that this variant is likely to be disruptive. In summary, the available evidence is currently insufficient to determine the role of this variant in disease. Therefore, it has been classified as a Variant of Uncertain Significance.

NM_002979.5(SCP2):c.1066C>T (p.Pro356Ser)

Gene: SCP2 (sterol carrier protein 2; plus strand). Cytogenetic location: 1p32.3.
Variant type: single nucleotide variant.
Coding change: c.1066C>T on transcript NM_002979.5 (MANE Select); coding-DNA position 1066, C replaced by T.
Protein change: p.Pro356Ser; replaces proline 356 with serine.
Molecular consequence: missense variant.
Genome position (GRCh38, 1-based): chr1:52,988,121, C>T. VCF-style: chr1-52988121-C-T. GRCh37 (hg19) VCF-style: chr1-53453793-C-T.
Other names: c.934C>T, p.Pro312Ser (NM_001007098.3, NM_001193600.2); c.994C>T, p.Pro332Ser (NM_001193599.2); c.823C>T, p.Pro275Ser (NM_001193617.2); c.1066C>T, p.Pro356Ser (NM_001330587.2); short protein forms P332S, P275S, P356S, P312S.
Identifiers: ClinVar variation 1975820 (VCV001975820.5), dbSNP rs910466649, ClinGen allele CA22586974.